The following is an entry in ClinVar:

NM_003900.5(SQSTM1):c.755-7C>T

Gene: SQSTM1 (sequestosome 1; plus strand). Cytogenetic location: 5q35.3.
Variant type: single nucleotide variant.
Coding change: c.755-7C>T on transcript NM_003900.5 (MANE Select); 7 bases into the intron before coding-DNA position 755, C replaced by T.
Molecular consequence: intron variant.
Genome position (GRCh38, 1-based): chr5:179,833,025, C>T. VCF-style: chr5-179833025-C-T. GRCh37 (hg19) VCF-style: chr5-179260025-C-T.
Other names: c.503-7C>T (NM_001142298.2, NM_001142299.2).
Identifiers: ClinVar variation 726296 (VCV000726296.31), dbSNP rs781389243, ClinGen allele CA3600666.

ClinVar aggregate classification (germline): Likely benign. Review status: criteria provided, multiple submitters, no conflicts (2 of 4 stars). 2 submissions from 2 submitters: Likely benign (2). Last evaluated 2025-03-18.

Conditions:
Paget disease of bone 2, early-onset (PDB2). Also called: Paget disease of bone 2. Identifiers: MedGen C4085251, MONDO:0011183, OMIM 602080.
Frontotemporal dementia and/or amyotrophic lateral sclerosis 1 (FTDALS1). Also called: C9orf72 Frontotemporal Dementia and/or Amyotrophic Lateral Sclerosis; Frontotemporal dementia with motor neuron disease 1. Identifiers: Orphanet 275872, MedGen C5779877, MONDO:0007105, OMIM 105550.

Allele frequency attached by ClinVar (database versions not stated): ExAC 0.00001; gnomAD 0.00001; gnomAD exomes 0.00001 and 0.00002; TOPMed 0.00001.
gnomAD v4.1: 8 of 1,614,044 alleles (0.0005%); highest among the groups gnomAD compares: Admixed American, 0.0083%; no homozygotes.

Submissions (2):

Labcorp Genetics (formerly Invitae), Labcorp
Classification: Likely benign for Paget disease of bone 2, early-onset; Frontotemporal dementia and/or amyotrophic lateral sclerosis 1. Last evaluated: 2025-03-18. Review status: criteria provided, single submitter. Criteria: Invitae Variant Classification Sherloc (09022015). Collection method: clinical testing. Allele origin: germline.

CeGaT Center for Human Genetics Tuebingen
Classification: Likely benign. Last evaluated: 2023-01-01. Review status: criteria provided, single submitter. Criteria: CeGaT Center For Human Genetics Tuebingen Variant Classification Criteria Version 2. Collection method: clinical testing. Allele origin: germline. Affected: yes. Observed: 1 variant allele.
Comment: SQSTM1: BP4